The following is an entry in ClinVar:

NM_007194.4(CHEK2):c.319+9C>G

Gene: CHEK2 (checkpoint kinase 2; minus strand). Cytogenetic location: 22q12.1.
Variant type: single nucleotide variant.
Coding change: c.319+9C>G on transcript NM_007194.4 (MANE Select); 9 bases into the intron after coding-DNA position 319, C replaced by G.
Molecular consequence: intron variant.
Genome position (GRCh38, 1-based): chr22:28,734,394, G>C on the plus strand (C>G on the coding strand, the complement: CHEK2 is on the minus strand). VCF-style: chr22-28734394-G-C. GRCh37 (hg19) VCF-style: chr22-29130382-G-C.
Other names: c.-345+7375C>G (NM_001437942.1); c.319+9C>G (NM_001349956.3, NM_145862.3, NM_001438295.1 and 3 more transcripts); c.-459+9C>G (NM_001257387.3).
Identifiers: ClinVar variation 3699858 (VCV003699858.3).
Genomic context (GRCh38, chr22:28,734,394, plus strand): 5'-CCTGGTAATACAACTTTCTGTAAGTGTTTTTCTGAACAAAACGTGATACTATACAACAAA[G>C]GGTCTTACCAAGATTGGCAAATCCATCCTGAAGGGCCCATAATCGAGCCCAGGGGGCAGG-3'

ClinVar aggregate classification (germline): Likely benign. Review status: criteria provided, multiple submitters, no conflicts (2 of 4 stars). 2 submissions from 2 submitters: Likely benign (2). Last evaluated 2025-12-10.

Conditions:
Familial cancer of breast. Also called: hereditary breast carcinoma; BREAST CANCER, FAMILIAL; Hereditary breast cancer. Identifiers: Orphanet 227535, MedGen C0346153, MONDO:0016419, OMIM 114480. Disease mechanism: loss of function.

gnomAD v4.1: 2 of 1,612,796 alleles (0.00012%); highest among the groups gnomAD compares: Non-Finnish European, 0.00017%; no homozygotes.

Submissions (2):

Labcorp Genetics (formerly Invitae), Labcorp
Classification: Likely benign for Familial cancer of breast. Last evaluated: 2025-12-10. Review status: criteria provided, single submitter. Criteria: Invitae Variant Classification Sherloc (09022015). Collection method: clinical testing. Allele origin: germline.

Myriad Genetics, Inc.
Classification: Likely benign for Familial cancer of breast. Last evaluated: 2024-10-02. Review status: criteria provided, single submitter. Criteria: Myriad Autosomal Dominant, Autosomal Recessive and X-Linked Classification Criteria (2023). Collection method: clinical testing. Allele origin: unknown.
Comment: This variant is considered likely benign. This variant is intronic and is not expected to impact mRNA splicing.